The following is an entry in ClinVar:

ClinVar aggregate classification (germline): Uncertain significance (1 of 4 stars; one submission).

Submission:

Ambry Genetics
Classification: Uncertain significance. Last evaluated: 2026-04-27. Review status: criteria provided, single submitter. Criteria: Ambry Variant Classification Scheme 2023. Collection method: clinical testing. Allele origin: germline.
Comment: The c.286G>C (p.D96H) alteration is located in exon 3 (coding exon 3) of the MROH5 gene. This alteration results from a G to C substitution at nucleotide position 286, causing the aspartic acid (D) at amino acid position 96 to be replaced by a histidine (H). Based on data from gnomAD, the C allele has an overall frequency of 0.002% (4/245126) total alleles studied. The highest observed frequency was 0.023% (4/17694) of East Asian alleles. Based on insufficient or conflicting evidence, the clinical significance of this alteration remains unclear.

NM_207414.2(MROH5):c.286G>C

Gene: MROH5 (maestro heat like repeat family member 5 (gene/pseudogene); minus strand). Cytogenetic location: 8q24.3.
Variant type: single nucleotide variant.
Coding change: c.286G>C on transcript NM_207414.2; coding-DNA position 286, G replaced by C.
Molecular consequence: non-coding transcript variant (on NR_102363.3).
Genome position (GRCh38, 1-based): chr8:141,495,460, C>G on the plus strand (G>C on the coding strand, the complement: MROH5 is on the minus strand). VCF-style: chr8-141495460-C-G. GRCh37 (hg19) VCF-style: chr8-142505560-C-G.
Identifiers: ClinVar variation 4860277 (VCV004860277.1).